The following is an entry in ClinVar:

ClinVar aggregate classification (germline): Uncertain significance. Review status: criteria provided, multiple submitters, no conflicts (2 of 4 stars). 2 submissions from 2 submitters: Uncertain significance (2). Last evaluated 2025-05-02.

Conditions:
Developmental and epileptic encephalopathy 94 (DEE94). Also called: CHD2-Related Neurodevelopmental Disorders; Epileptic encephalopathy, childhood-onset. Identifiers: Orphanet 1942, Orphanet 2382, MedGen C3809278, MONDO:0014150, OMIM 615369.

Allele frequency attached by ClinVar (database versions not stated): gnomAD exomes 0.00001; gnomAD 0.00005 and 0.00006; TOPMed 0.00005.
gnomAD v4.1: 16 of 1,612,584 alleles (0.00099%); highest among the groups gnomAD compares: African/African-American, 0.019%; no homozygotes.

Submissions (2):

Labcorp Genetics (formerly Invitae), Labcorp
Classification: Uncertain significance for Developmental and epileptic encephalopathy 94. Last evaluated: 2025-05-02. Review status: criteria provided, single submitter. Criteria: Invitae Variant Classification Sherloc (09022015). Collection method: clinical testing. Allele origin: germline.
Comment: This sequence change replaces threonine, which is neutral and polar, with alanine, which is neutral and non-polar, at codon 185 of the CHD2 protein (p.Thr185Ala). This variant is present in population databases (no rsID available, gnomAD 0.02%). This variant has not been reported in the literature in individuals affected with CHD2-related conditions. ClinVar contains an entry for this variant (Variation ID: 1050992). An algorithm developed to predict the effect of missense changes on protein structure and function outputs the following: PolyPhen-2: "Benign". The alanine amino acid residue is found in multiple mammalian species, which suggests that this missense change does not adversely affect protein function. In summary, the available evidence is currently insufficient to determine the role of this variant in disease. Therefore, it has been classified as a Variant of Uncertain Significance.

Revvity Omics, Revvity
Classification: Uncertain significance for Developmental and epileptic encephalopathy 94. Last evaluated: 2023-07-11. Review status: criteria provided, single submitter. Criteria: ACMG Guidelines, 2015. Collection method: clinical testing. Allele origin: germline.

NM_001271.4(CHD2):c.553A>G (p.Thr185Ala)

Gene: CHD2 (chromodomain helicase DNA binding protein 2; plus strand). Cytogenetic location: 15q26.1.
Variant type: single nucleotide variant.
Coding change: c.553A>G on transcript NM_001271.4 (MANE Select); coding-DNA position 553, A replaced by G.
Protein change: p.Thr185Ala; replaces threonine 185 with alanine.
Molecular consequence: missense variant.
Genome position (GRCh38, 1-based): chr15:92,939,579, A>G. VCF-style: chr15-92939579-A-G. GRCh37 (hg19) VCF-style: chr15-93482809-A-G.
Other names: c.553A>G, p.Thr185Ala (NM_001042572.3); short protein forms T185A.
Identifiers: ClinVar variation 1050992 (VCV001050992.11), dbSNP rs1442904433, ClinGen allele CA393899975.